The following is an entry in ClinVar:

NM_001211.6(BUB1B):c.459G>C (p.Gln153His)

Gene: BUB1B (BUB1 mitotic checkpoint serine/threonine kinase B; plus strand). Cytogenetic location: 15q15.1.
Variant type: single nucleotide variant.
Coding change: c.459G>C on transcript NM_001211.6 (MANE Select); coding-DNA position 459, G replaced by C.
Protein change: p.Gln153His; replaces glutamine 153 with histidine.
Molecular consequence: missense variant.
Genome position (GRCh38, 1-based): chr15:40,176,551, G>C. VCF-style: chr15-40176551-G-C. GRCh37 (hg19) VCF-style: chr15-40468752-G-C.
Other names: short protein forms Q153H.
Identifiers: ClinVar variation 5033493 (VCV005033493.1).

ClinVar aggregate classification (germline): Uncertain significance (1 of 4 stars; one submission).

Conditions:
Inborn genetic diseases. Identifiers: MedGen C0950123, MeSH D030342.

gnomAD v4.1: 1 of 1,614,094 alleles (0.000062%); highest among the groups gnomAD compares: Non-Finnish European, 0.000085%; no homozygotes.

Submission:

Ambry Genetics
Classification: Uncertain significance for Inborn genetic diseases. Last evaluated: 2026-08-19. Review status: criteria provided, single submitter. Criteria: Ambry Variant Classification Scheme 2023. Collection method: clinical testing. Allele origin: germline.
Comment: The p.Q153H variant (also known as c.459G>C), located in coding exon 5 of the BUB1B gene, results from a G to C substitution at nucleotide position 459. The glutamine at codon 153 is replaced by histidine, an amino acid with highly similar properties. This amino acid position is conserved. In addition, this alteration is predicted to be tolerated by in silico analysis. Based on the available evidence, the clinical significance of this variant remains unclear.